The following is an entry in ClinVar:

ClinVar aggregate classification (germline): Uncertain significance. Review status: criteria provided, multiple submitters, no conflicts (2 of 4 stars). 3 submissions from 3 submitters: Uncertain significance (3). Last evaluated 2025-03-07.

Conditions:
Polycystic kidney disease 4 (PKD4). Also called: PKD3; POLYCYSTIC KIDNEY AND HEPATIC DISEASE 1; POLYCYSTIC KIDNEY DISEASE, INFANTILE, TYPE I; POLYCYSTIC KIDNEY DISEASE 4 WITH OR WITHOUT POLYCYSTIC LIVER DISEASE; Autosomal Recessive Polycystic Kidney Disease – PKHD1. Identifiers: MedGen C4540575, MONDO:0033004, OMIM 263200.
Autosomal recessive polycystic kidney disease (ARPKD). Also called: AR polycystic kidney disease. Identifiers: Orphanet 731, Orphanet 8378, MedGen C0085548, MeSH D017044, MONDO:0009889.

Allele frequency attached by ClinVar (database versions not stated): gnomAD 0.00003; ExAC 0.00004; gnomAD exomes 0.00005 and 0.00010; TOPMed 0.00006; ESP Exome Variant Server 0.00008.
gnomAD v4.1: 145 of 1,497,120 alleles (0.0097%); highest among the groups gnomAD compares: Non-Finnish European, 0.013%; no homozygotes.

Submissions (3):

GeneDx
Classification: Uncertain significance. Last evaluated: 2025-03-07. Review status: criteria provided, single submitter. Criteria: GeneDx Variant Classification Process June 2021. Collection method: clinical testing. Allele origin: germline. Affected: yes.
Comment: Not observed at significant frequency in large population cohorts (gnomAD); In silico analysis indicates that this missense variant does not alter protein structure/function; This variant is associated with the following publications: (PMID: 19914852, 27752906)

Fulgent Genetics
Classification: Uncertain significance for Polycystic kidney disease 4. Last evaluated: 2024-01-03. Review status: criteria provided, single submitter. Criteria: ACMG Guidelines, 2015. Collection method: clinical testing. Allele origin: germline.

Illumina Laboratory Services, Illumina
Classification: Uncertain significance for Polycystic kidney disease 4. Last evaluated: 2018-01-12. Review status: criteria provided, single submitter. Criteria: ICSL Variant Classification Criteria 13 December 2019. Collection method: clinical testing. Allele origin: germline.

NM_138694.4(PKHD1):c.874A>G (p.Ile292Val)

Gene: PKHD1 (PKHD1 ciliary IPT domain containing fibrocystin/polyductin; minus strand). Cytogenetic location: 6p12.2.
Variant type: single nucleotide variant.
Coding change: c.874A>G on transcript NM_138694.4 (MANE Select); coding-DNA position 874, A replaced by G.
Protein change: p.Ile292Val; replaces isoleucine 292 with valine.
Molecular consequence: missense variant.
Genome position (GRCh38, 1-based): chr6:52,065,982, T>C on the plus strand (A>G on the coding strand, the complement: PKHD1 is on the minus strand). VCF-style: chr6-52065982-T-C. GRCh37 (hg19) VCF-style: chr6-51930780-T-C.
Other names: c.874A>G, p.Ile292Val (NM_170724.3); short protein forms I292V.
Identifiers: ClinVar variation 911227 (VCV000911227.6), dbSNP rs367590965, ClinGen allele CA3853735.